The following is an entry in ClinVar:

NM_000302.4(PLOD1):c.124C>T (p.Arg42Cys)

Gene: PLOD1 (procollagen-lysine,2-oxoglutarate 5-dioxygenase 1; plus strand). Cytogenetic location: 1p36.22.
Variant type: single nucleotide variant.
Coding change: c.124C>T on transcript NM_000302.4 (MANE Select); coding-DNA position 124, C replaced by T.
Protein change: p.Arg42Cys; replaces arginine 42 with cysteine.
Molecular consequence: missense variant.
Genome position (GRCh38, 1-based): chr1:11,948,023, C>T. VCF-style: chr1-11948023-C-T. GRCh37 (hg19) VCF-style: chr1-12008080-C-T.
Other names: c.265C>T, p.Arg89Cys (NM_001316320.2); short protein forms R42C, R89C.
Identifiers: ClinVar variation 459806 (VCV000459806.55), dbSNP rs202003686, ClinGen allele CA597794.

ClinVar aggregate classification (germline): Uncertain significance. Review status: criteria provided, multiple submitters, no conflicts (2 of 4 stars). 7 submissions from 7 submitters: Uncertain significance (7). Last evaluated 2026-02-17.

Conditions:
Familial thoracic aortic aneurysm and aortic dissection (TAAD). Also called: Thoracic aortic aneurysms and dissections. Identifiers: Orphanet 91387, MedGen C4707243, MONDO:0019625.
Ehlers-Danlos syndrome, kyphoscoliotic type 1 (EDSKSCL1). Also called: Ehlers-Danlos syndrome, hydroxylysine-deficient; EHLERS-DANLOS SYNDROME, OCULAR-SCOLIOTIC TYPE; PLOD1-Related Kyphoscoliotic Ehlers-Danlos Syndrome; EHLERS-DANLOS SYNDROME, TYPE VIA. Identifiers: Orphanet 1900, MedGen C0268342, MONDO:0016002, OMIM 225400. Disease mechanism: loss of function.

Allele frequency attached by ClinVar (database versions not stated): ExAC 0.00005; TOPMed 0.00008; gnomAD exomes 0.00009 and 0.00025.
gnomAD v4.1: 362 of 1,613,832 alleles (0.022%); highest among the groups gnomAD compares: Non-Finnish European, 0.029%; no homozygotes.

Submissions (7):

Women's Health and Genetics/Laboratory Corporation of America, LabCorp
Classification: Uncertain significance. Last evaluated: 2026-02-17. Review status: criteria provided, single submitter. Criteria: LabCorp Variant Classification Summary - May 2015. Collection method: clinical testing. Allele origin: germline.
Comment: Variant summary: PLOD1 c.124C>T (p.Arg42Cys) results in a non-conservative amino acid change in the encoded protein sequence. Algorithms developed to predict the effect of missense changes on protein structure and function are either unavailable or do not agree on the potential impact of this missense change. The variant allele was found at a frequency of 9.1e-05 in 251494 control chromosomes. This frequency is not significantly higher than estimated for disease-causing variants in PLOD1, allowing no conclusion about variant significance. To our knowledge, no occurrence of c.124C>T in individuals affected with PLOD1-related conditions and no experimental evidence demonstrating its impact on protein function have been reported. ClinVar contains an entry for this variant (Variation ID: 459806). Based on the evidence outlined above, the variant was classified as uncertain significance.

GeneDx
Classification: Uncertain significance. Last evaluated: 2024-07-17. Review status: criteria provided, single submitter. Criteria: GeneDx Variant Classification Process June 2021. Collection method: clinical testing. Allele origin: germline. Affected: yes.
Comment: Has not been previously published as pathogenic or benign to our knowledge; In silico analysis supports that this missense variant has a deleterious effect on protein structure/function

Ambry Genetics
Classification: Uncertain significance for Familial thoracic aortic aneurysm and aortic dissection. Last evaluated: 2024-03-06. Review status: criteria provided, single submitter. Criteria: Ambry Variant Classification Scheme 2023. Collection method: clinical testing. Allele origin: germline.
Comment: The p.R42C variant (also known as c.124C>T), located in coding exon 2 of the PLOD1 gene, results from a C to T substitution at nucleotide position 124. The arginine at codon 42 is replaced by cysteine, an amino acid with highly dissimilar properties. This amino acid position is not well conserved in available vertebrate species. In addition, this alteration is predicted to be tolerated by in silico analysis. Since supporting evidence is limited at this time, the clinical significance of this alteration remains unclear.

Blueprint Genetics
Classification: Uncertain significance. Last evaluated: 2024-01-31. Review status: criteria provided, single submitter. Criteria: ACMG Guidelines, 2015. Collection method: clinical testing. Allele origin: germline.

Labcorp Genetics (formerly Invitae), Labcorp
Classification: Uncertain significance for Ehlers-Danlos syndrome, kyphoscoliotic type 1. Last evaluated: 2022-10-25. Review status: criteria provided, single submitter. Criteria: Invitae Variant Classification Sherloc (09022015). Collection method: clinical testing. Allele origin: germline.
Comment: This sequence change replaces arginine, which is basic and polar, with cysteine, which is neutral and slightly polar, at codon 42 of the PLOD1 protein (p.Arg42Cys). This variant is present in population databases (rs202003686, gnomAD 0.02%). This variant has not been reported in the literature in individuals affected with PLOD1-related conditions. ClinVar contains an entry for this variant (Variation ID: 459806). Advanced modeling of protein sequence and biophysical properties (such as structural, functional, and spatial information, amino acid conservation, physicochemical variation, residue mobility, and thermodynamic stability) performed at Invitae indicates that this missense variant is not expected to disrupt PLOD1 protein function. In summary, the available evidence is currently insufficient to determine the role of this variant in disease. Therefore, it has been classified as a Variant of Uncertain Significance.

CeGaT Center for Human Genetics Tuebingen
Classification: Uncertain significance. Last evaluated: 2020-07-01. Review status: criteria provided, single submitter. Criteria: CeGaT Center For Human Genetics Tuebingen Variant Classification Criteria Version 2. Collection method: clinical testing. Allele origin: germline. Affected: yes. Observed: 1 variant allele.

Stanford Center for Inherited Cardiovascular Disease, Stanford University
Classification: Uncertain significance. Last evaluated: 2017-07-13. Review status: criteria provided, single submitter. Criteria: ACMG Guidelines, 2015. Collection method: provider interpretation. Allele origin: germline.